The following is an entry in ClinVar:

NM_014956.5(CEP164):c.3899A>G (p.Gln1300Arg)

Gene: CEP164 (centrosomal protein 164; plus strand). Cytogenetic location: 11q23.3.
Variant type: single nucleotide variant.
Coding change: c.3899A>G on transcript NM_014956.5 (MANE Select); coding-DNA position 3899, A replaced by G.
Protein change: p.Gln1300Arg; replaces glutamine 1300 with arginine.
Molecular consequence: missense variant.
Genome position (GRCh38, 1-based): chr11:117,409,768, A>G. VCF-style: chr11-117409768-A-G. GRCh37 (hg19) VCF-style: chr11-117280484-A-G.
Other names: c.3884A>G, p.Gln1295Arg (NM_001271933.2); short protein forms Q1300R, Q1295R.
Identifiers: ClinVar variation 2081357 (VCV002081357.4), dbSNP rs1235875223, ClinGen allele CA382744202.

ClinVar aggregate classification (germline): Uncertain significance (1 of 4 stars; one submission).

Conditions:
Nephronophthisis 15 (NPHP15). Identifiers: Orphanet 3156, MedGen C3541853, MONDO:0013917, OMIM 614845.

Allele frequency attached by ClinVar (database versions not stated): gnomAD exomes below 0.00001.
gnomAD v4.1: 1 of 1,613,788 alleles (0.000062%); highest among the groups gnomAD compares: East Asian, 0.0022%; no homozygotes.

Submission:

Labcorp Genetics (formerly Invitae), Labcorp
Classification: Uncertain significance for Nephronophthisis 15. Last evaluated: 2022-03-09. Review status: criteria provided, single submitter. Criteria: Invitae Variant Classification Sherloc (09022015). Collection method: clinical testing. Allele origin: germline.
Comment: In summary, the available evidence is currently insufficient to determine the role of this variant in disease. Therefore, it has been classified as a Variant of Uncertain Significance. Algorithms developed to predict the effect of missense changes on protein structure and function (SIFT, PolyPhen-2, Align-GVGD) all suggest that this variant is likely to be tolerated. This variant has not been reported in the literature in individuals affected with CEP164-related conditions. This variant is present in population databases (no rsID available, gnomAD 0.006%). This sequence change replaces glutamine, which is neutral and polar, with arginine, which is basic and polar, at codon 1300 of the CEP164 protein (p.Gln1300Arg).